The following is an entry in ClinVar:

NM_020297.4(ABCC9):c.1859G>C (p.Arg620Pro)

Gene: ABCC9 (ATP binding cassette subfamily C member 9; minus strand). Cytogenetic location: 12p12.1.
Variant type: single nucleotide variant.
Coding change: c.1859G>C on transcript NM_020297.4 (MANE Select); coding-DNA position 1859, G replaced by C.
Protein change: p.Arg620Pro; replaces arginine 620 with proline.
Molecular consequence: missense variant.
Genome position (GRCh38, 1-based): chr12:21,887,878, C>G on the plus strand (G>C on the coding strand, the complement: ABCC9 is on the minus strand). VCF-style: chr12-21887878-C-G. GRCh37 (hg19) VCF-style: chr12-22040812-C-G.
Other names: c.1859G>C, p.Arg620Pro (NM_001377273.1, NM_005691.4); c.995G>C, p.Arg332Pro (NM_001377274.1); short protein forms R332P, R620P.
Identifiers: ClinVar variation 4740588 (VCV004740588.1).

ClinVar aggregate classification (germline): Uncertain significance (1 of 4 stars; one submission).

Conditions:
Dilated cardiomyopathy 1O (CMD1O). Also called: CARDIOMYOPATHY, DILATED, WITH VENTRICULAR TACHYCARDIA. Identifiers: Orphanet 154, MedGen C1837839, MONDO:0012062, OMIM 608569.

Submission:

Labcorp Genetics (formerly Invitae), Labcorp
Classification: Uncertain significance for Dilated cardiomyopathy 1O. Last evaluated: 2025-12-10. Review status: criteria provided, single submitter. Criteria: Invitae Variant Classification Sherloc (09022015). Collection method: clinical testing. Allele origin: germline.
Comment: This sequence change replaces arginine, which is basic and polar, with proline, which is neutral and non-polar, at codon 620 of the ABCC9 protein (p.Arg620Pro). This variant is not present in population databases (gnomAD no frequency). This variant has not been reported in the literature in individuals affected with ABCC9-related conditions. Invitae Evidence Modeling of protein sequence and biophysical properties (such as structural, functional, and spatial information, amino acid conservation, physicochemical variation, residue mobility, and thermodynamic stability) indicates that this missense variant is not expected to disrupt ABCC9 protein function with a negative predictive value of 95%. In summary, the available evidence is currently insufficient to determine the role of this variant in disease. Therefore, it has been classified as a Variant of Uncertain Significance.